The following is an entry in ClinVar:

NM_001012720.2(RGR):c.542C>T (p.Ser181Phe)

Gene: RGR (retinal G protein coupled receptor; plus strand). Cytogenetic location: 10q23.1.
Variant type: single nucleotide variant.
Coding change: c.542C>T on transcript NM_001012720.2 (MANE Select); coding-DNA position 542, C replaced by T.
Protein change: p.Ser181Phe; replaces serine 181 with phenylalanine.
Molecular consequence: missense variant.
Genome position (GRCh38, 1-based): chr10:84,254,355, C>T. VCF-style: chr10-84254355-C-T. GRCh37 (hg19) VCF-style: chr10-86014111-C-T.
Other names: c.542C>T, p.Ser181Phe (NM_001012722.2); c.554C>T, p.Ser185Phe (NM_002921.4); short protein forms S181F, S185F.
Identifiers: ClinVar variation 1407503 (VCV001407503.6), dbSNP rs769704487, ClinGen allele CA5581485.

ClinVar aggregate classification (germline): Uncertain significance (1 of 4 stars; one submission).

Allele frequency attached by ClinVar (database versions not stated): ExAC 0.00001; gnomAD exomes 0.00001; TOPMed 0.00001; gnomAD 0.00001.

Submission:

Labcorp Genetics (formerly Invitae), Labcorp
Classification: Uncertain significance. Last evaluated: 2026-01-14. Review status: criteria provided, single submitter. Criteria: Invitae Variant Classification Sherloc (09022015). Collection method: clinical testing. Allele origin: germline.
Comment: This sequence change replaces serine, which is neutral and polar, with phenylalanine, which is neutral and non-polar, at codon 181 of the RGR protein (p.Ser181Phe). This variant is present in population databases (rs769704487, gnomAD 0.003%). This variant has not been reported in the literature in individuals affected with RGR-related conditions. ClinVar contains an entry for this variant (Variation ID: 1407503). Experimental studies and prediction algorithms are not available or were not evaluated, and the functional significance of this variant is currently unknown. In summary, the available evidence is currently insufficient to determine the role of this variant in disease. Therefore, it has been classified as a Variant of Uncertain Significance.